The following is an entry in ClinVar:

ClinVar aggregate classification (germline): Benign. Review status: criteria provided, single submitter (1 of 4 stars). 2 submissions from 2 submitters: Benign (1). 1 of the submissions does not count toward it. Last evaluated 2026-04-01.

Conditions:
FSIP2-related disorder. Also called: FSIP2-related condition.

Allele frequency attached by ClinVar (database versions not stated): 1000 Genomes Project 30x 0.00359; 1000 Genomes Project 0.00399; ExAC 0.00749.
gnomAD v4.1: 1,193 of 1,534,442 alleles (0.078%); highest among the groups gnomAD compares: South Asian, 1.3%; 24 homozygotes.

Submissions (2):

CeGaT Center for Human Genetics Tuebingen
Classification: Benign. Last evaluated: 2026-04-01. Review status: criteria provided, single submitter. Criteria: CeGaT Center For Human Genetics Tuebingen Variant Classification Criteria Version 2. Collection method: clinical testing. Allele origin: germline. Affected: yes. Observed: 1 variant allele.
Comment: FSIP2: BP4, BS1, BS2

PreventionGenetics, part of Exact Sciences
Classification: Benign for FSIP2-related condition. Last evaluated: 2019-07-12. Review status: no assertion criteria provided. Collection method: clinical testing. Allele origin: germline. Not counted in ClinVar's aggregate classification.
Comment: This variant is classified as benign based on ACMG/AMP sequence variant interpretation guidelines (Richards et al. 2015 PMID: 25741868, with internal and published modifications).

NM_173651.4(FSIP2):c.2584T>C (p.Cys862Arg)

Genes: FSIP2 (fibrous sheath interacting protein 2; plus strand), FSIP2-AS1 (FSIP2 antisense RNA 1; minus strand). Cytogenetic location: 2q32.1.
Variant type: single nucleotide variant.
Coding change: c.2584T>C on transcript NM_173651.4 (MANE Select); coding-DNA position 2584, T replaced by C.
Protein change: p.Cys862Arg; replaces cysteine 862 with arginine.
Molecular consequence: missense variant.
Genome position (GRCh38, 1-based): chr2:185,789,720, T>C. VCF-style: chr2-185789720-T-C. GRCh37 (hg19) VCF-style: chr2-186654447-T-C.
Other names: short protein forms C862R.
Identifiers: ClinVar variation 3042458 (VCV003042458.4), dbSNP rs548677096, ClinGen allele CA2016581.
Genomic context (GRCh38, chr2:185,789,720, plus strand): 5'-TTTCTTCATCTTAAAGACACAAATAAGCTTTCCTGCCAGCAACATAAGACAGACCCAATA[T>C]GTATGTTCCTTCAAAGAGCTGGCAAAAATAAATCTAGTCTTGAATCTGATGAAGCTAGTT-3'
Protein context (NP_775922.3, residues 852-872): SCQQHKTDPI[Cys862Arg]MFLQRAGKNK